The following is an entry in ClinVar:

ClinVar aggregate classification (germline): Uncertain significance. Review status: criteria provided, multiple submitters, no conflicts (2 of 4 stars). 2 submissions from 2 submitters: Uncertain significance (2). Last evaluated 2025-08-10.

Conditions:
Dilated cardiomyopathy 1J (CMD1J). Also called: CARDIOMYOPATHY, DILATED, WITH SENSORINEURAL HEARING LOSS, AUTOSOMAL DOMINANT. Identifiers: Orphanet 217622, MedGen C1854368, MONDO:0011541, OMIM 605362.
Cardiovascular phenotype. Identifiers: MedGen CN230736.

Allele frequency attached by ClinVar (database versions not stated): TOPMed below 0.00001; gnomAD 0.00001; gnomAD exomes 0.00002.
gnomAD v4.1: 22 of 1,608,234 alleles (0.0014%); highest among the groups gnomAD compares: Non-Finnish European, 0.0019%; no homozygotes.

Submissions (2):

Labcorp Genetics (formerly Invitae), Labcorp
Classification: Uncertain significance for Dilated cardiomyopathy 1J. Last evaluated: 2025-08-10. Review status: criteria provided, single submitter. Criteria: Invitae Variant Classification Sherloc (09022015). Collection method: clinical testing. Allele origin: germline.
Comment: This sequence change replaces aspartic acid, which is acidic and polar, with glycine, which is neutral and non-polar, at codon 418 of the EYA4 protein (p.Asp418Gly). This variant is not present in population databases (gnomAD no frequency). This variant has not been reported in the literature in individuals affected with EYA4-related conditions. ClinVar contains an entry for this variant (Variation ID: 1430799). Invitae Evidence Modeling of protein sequence and biophysical properties (such as structural, functional, and spatial information, amino acid conservation, physicochemical variation, residue mobility, and thermodynamic stability) indicates that this missense variant is expected to disrupt EYA4 protein function with a positive predictive value of 80%. In summary, the available evidence is currently insufficient to determine the role of this variant in disease. Therefore, it has been classified as a Variant of Uncertain Significance.

Ambry Genetics
Classification: Uncertain significance for Cardiovascular phenotype. Last evaluated: 2021-07-18. Review status: criteria provided, single submitter. Criteria: Ambry Variant Classification Scheme 2023. Collection method: clinical testing. Allele origin: germline.
Comment: The p.D418G variant (also known as c.1253A>G), located in coding exon 13 of the EYA4 gene, results from an A to G substitution at nucleotide position 1253. The aspartic acid at codon 418 is replaced by glycine, an amino acid with similar properties. This amino acid position is conserved. In addition, this alteration is predicted to be deleterious by in silico analysis. Since supporting evidence is limited at this time, the clinical significance of this alteration remains unclear.

NM_004100.5(EYA4):c.1253A>G (p.Asp418Gly)

Genes: EYA4 (EYA transcriptional coactivator and phosphatase 4; plus strand), TARID (TCF21 antisense RNA inducing promoter demethylation; minus strand), LOC126859796 (MED14-independent group 3 enhancer GRCh37_chr6:133826289-133827488; plus strand). Cytogenetic location: 6q23.2.
Variant type: single nucleotide variant.
Coding change: c.1253A>G on transcript NM_004100.5 (MANE Select); coding-DNA position 1253, A replaced by G.
Protein change: p.Asp418Gly; replaces aspartic acid 418 with glycine.
Molecular consequence: missense variant. On other transcripts: non-coding transcript variant (1).
Genome position (GRCh38, 1-based): chr6:133,506,167, A>G. VCF-style: chr6-133506167-A-G. GRCh37 (hg19) VCF-style: chr6-133827305-A-G.
Other names: c.1091A>G, p.Asp364Gly (NM_001301012.2); c.1271A>G, p.Asp424Gly (NM_001301013.2); c.1184A>G, p.Asp395Gly (NM_001370458.1, NM_172103.4); c.1109A>G, p.Asp370Gly (NM_001370459.1); c.1253A>G, p.Asp418Gly (NM_172105.4); short protein forms D364G, D370G, D418G, D424G, D395G.
Identifiers: ClinVar variation 1430799 (VCV001430799.10), dbSNP rs1363400539, ClinGen allele CA365713630.
Genomic context (GRCh38, chr6:133,506,167, plus strand): 5'-ATCCCCCCATGGCTGTAACCCTTGGACTCCGCATGGAAGAAATGATTTTTAATCTTGCTG[A>G]TACTCATTTGTTTTTTAATGATTTAGAGGTAAGAATTTTACAAGGTACAAATAGTTGTAT-3'
Protein context (NP_004091.3, residues 408-428): RMEEMIFNLA[Asp418Gly]THLFFNDLEE